The following is an entry in ClinVar:

NM_005045.4(RELN):c.5831T>G (p.Phe1944Cys)

Gene: RELN (reelin; minus strand). Cytogenetic location: 7q22.1.
Variant type: single nucleotide variant.
Coding change: c.5831T>G on transcript NM_005045.4 (MANE Select); coding-DNA position 5831, T replaced by G.
Protein change: p.Phe1944Cys; replaces phenylalanine 1944 with cysteine.
Molecular consequence: missense variant.
Genome position (GRCh38, 1-based): chr7:103,553,798, A>C on the plus strand (T>G on the coding strand, the complement: RELN is on the minus strand). VCF-style: chr7-103553798-A-C. GRCh37 (hg19) VCF-style: chr7-103194245-A-C.
Other names: p.F1944C:TTC>TGC; p.Phe1944Cys; c.5831T>G, p.Phe1944Cys (NM_173054.3); short protein forms F1944C.
Identifiers: ClinVar variation 130131 (VCV000130131.21), dbSNP rs77664442, ClinGen allele CA154926.

ClinVar aggregate classification (germline): Benign. Review status: criteria provided, multiple submitters, no conflicts (2 of 4 stars). 6 submissions from 6 submitters: Benign (5). 1 of the submissions does not count toward it. Last evaluated 2026-02-03.

Conditions:
Norman-Roberts syndrome (LIS2). Also called: Lissencephaly 2 (Norman-Roberts type). Identifiers: Orphanet 89844, MedGen C0796089, MONDO:0009760, OMIM 257320.
Familial temporal lobe epilepsy 7. Identifiers: Orphanet 101046, MedGen C4225327, MONDO:0014639, OMIM 616436.

Allele frequency attached by ClinVar (database versions not stated): gnomAD exomes 0.00229 and 0.00612; ExAC 0.00748; gnomAD 0.02299 and 0.02460; 1000 Genomes Project 0.02556; 1000 Genomes Project 30x 0.02577; TOPMed 0.02612; ESP Exome Variant Server 0.02791.
gnomAD v4.1: 6,993 of 1,613,968 alleles (0.43%); highest among the groups gnomAD compares: African/African-American, 8%; 255 homozygotes.

Submissions (6):

Labcorp Genetics (formerly Invitae), Labcorp
Classification: Benign for Familial temporal lobe epilepsy 7; Norman-Roberts syndrome. Last evaluated: 2026-02-03. Review status: criteria provided, single submitter. Criteria: Invitae Variant Classification Sherloc (09022015). Collection method: clinical testing. Allele origin: germline.

Mayo Clinic Laboratories, Mayo Clinic
Classification: Benign. Last evaluated: 2018-04-10. Review status: criteria provided, single submitter. Criteria: ACMG Guidelines, 2015. Collection method: clinical testing. Allele origin: germline. Observed: 15 variant alleles.

Illumina Laboratory Services, Illumina
Classification: Benign for Norman-Roberts syndrome. Last evaluated: 2018-01-12. Review status: criteria provided, single submitter. Criteria: ICSL Variant Classification Criteria 13 December 2019. Collection method: clinical testing. Allele origin: germline.
Comment: This variant was observed in the ICSL laboratory as part of a predisposition screen in an ostensibly healthy population. It had not been previously curated by ICSL or reported in the Human Gene Mutation Database (HGMD: prior to June 1st, 2018), and was therefore a candidate for classification through an automated scoring system. Utilizing variant allele frequency, disease prevalence and penetrance estimates, and inheritance mode, an automated score was calculated to assess if this variant is too frequent to cause the disease. Based on the score and internal cut-off values, a variant classified as benign is not then subjected to further curation. The score for this variant resulted in a classification of benign for this disease.

GeneDx
Classification: Benign. Last evaluated: 2014-03-31. Review status: criteria provided, single submitter. Criteria: GeneDx Variant Classification (06012015). Collection method: clinical testing. Allele origin: germline. Affected: yes.
Comment: This variant is considered likely benign or benign based on one or more of the following criteria: it is a conservative change, it occurs at a poorly conserved position in the protein, it is predicted to be benign by multiple in silico algorithms, and/or has population frequency not consistent with disease.

Breakthrough Genomics
Classification: Benign. Review status: criteria provided, single submitter. Criteria: ACMG Guidelines, 2015. Collection method: not provided. Allele origin: germline. Inheritance: Autosomal recessive inheritance. Affected: yes.

Genetic Services Laboratory, University of Chicago
Classification: Likely benign for AllHighlyPenetrant. Review status: no assertion criteria provided. Collection method: clinical testing. Allele origin: germline. Inheritance: Autosomal recessive inheritance. Not counted in ClinVar's aggregate classification.
Comment: Likely benign based on allele frequency in 1000 Genomes Project or ESP global frequency and its presence in a patient with a rare or unrelated disease phenotype. NOT Sanger confirmed.